The following is an entry in ClinVar:

ClinVar aggregate classification (germline): Pathogenic (1 of 4 stars; one submission).

Submissions (2):

Labcorp Genetics (formerly Invitae), Labcorp
Classification: Pathogenic. Last evaluated: 2023-01-14. Review status: criteria provided, single submitter. Criteria: Invitae Variant Classification Sherloc (09022015). Collection method: clinical testing. Allele origin: germline.
Comment: For these reasons, this variant has been classified as Pathogenic. Algorithms developed to predict the effect of sequence changes on RNA splicing suggest that this variant may disrupt the consensus splice site. Disruption of this splice site has been observed in individual(s) with neurodegenerative encephalopathy (PMID: 34943336). It has also been observed to segregate with disease in related individuals. This variant is not present in population databases (gnomAD no frequency). This sequence change affects a donor splice site in intron 8 of the TBCD gene. It is expected to disrupt RNA splicing. Variants that disrupt the donor or acceptor splice site typically lead to a loss of protein function (PMID: 16199547), and loss-of-function variants in TBCD are known to be pathogenic (PMID: 27666370, 27666374).

Dr. Peter K. Rogan Lab, Western University
No classification provided (evidence only). Condition: Familial cancer of breast. Review status: no classification provided. Collection method: in vitro. Allele origin: not applicable. Functional consequence: retained intron. Not counted in ClinVar's aggregate classification.

Literature cited by the submitters: PubMed 34943336 (cited by Labcorp Genetics (formerly Invitae), Labcorp); PubMed 16199547 (cited by Labcorp Genetics (formerly Invitae), Labcorp); PubMed 27666370 (cited by Labcorp Genetics (formerly Invitae), Labcorp); PubMed 27666374 (cited by Labcorp Genetics (formerly Invitae), Labcorp).

NM_005993.5(TBCD):c.817+2T>C

Gene: TBCD (tubulin folding cofactor D). Cytogenetic location: 17q25.3.
Variant type: single nucleotide variant.
Coding change: c.817+2T>C on transcript NM_005993.5 (MANE Select); the canonical splice donor site of the intron after coding-DNA position 817, T replaced by C.
Molecular consequence: splice donor variant.
Genome position (GRCh38, 1-based): chr17:82,797,804, T>C. VCF-style: chr17-82797804-T-C. GRCh37 (hg19) VCF-style: chr17-80755680-T-C.
Other names: c.817+2T>C (NM_001411102.1); c.766+2T>C (NM_001411101.1).
Identifiers: ClinVar variation 2795116 (VCV002795116.4), dbSNP rs2510784493, ClinGen allele CA401633229.